The following is an entry in ClinVar:

NM_000093.5(COL5A1):c.4608+7A>T

Genes: COL5A1 (collagen type V alpha 1 chain; plus strand), LOC101448202 (uncharacterized LOC101448202; minus strand). Cytogenetic location: 9q34.3.
Variant type: single nucleotide variant.
Coding change: c.4608+7A>T on transcript NM_000093.5 (MANE Select); 7 bases into the intron after coding-DNA position 4608, A replaced by T.
Molecular consequence: intron variant.
Genome position (GRCh38, 1-based): chr9:134,822,157, A>T. VCF-style: chr9-134822157-A-T. GRCh37 (hg19) VCF-style: chr9-137714003-A-T.
Other names: c.4608+7A>T (NM_001278074.1).
Identifiers: ClinVar variation 514990 (VCV000514990.1), dbSNP rs1554807494, ClinGen allele CA658797353.

ClinVar aggregate classification (germline): Likely benign (1 of 4 stars; one submission).

Submission:

GeneDx
Classification: Likely benign. Last evaluated: 2018-01-23. Review status: criteria provided, single submitter. Criteria: GeneDx Variant Classification (06012015). Collection method: clinical testing. Allele origin: germline. Affected: yes.
Comment: This variant is considered likely benign or benign based on one or more of the following criteria: it is a conservative change, it occurs at a poorly conserved position in the protein, it is predicted to be benign by multiple in silico algorithms, and/or has population frequency not consistent with disease.